The following is an entry in ClinVar:

NM_000051.4(ATM):c.7926A>C (p.Arg2642Ser)

Genes: ATM (ATM serine/threonine kinase; plus strand), C11orf65 (chromosome 11 open reading frame 65; minus strand). Cytogenetic location: 11q22.3.
Variant type: single nucleotide variant.
Coding change: c.7926A>C on transcript NM_000051.4 (MANE Select); coding-DNA position 7926, A replaced by C.
Protein change: p.Arg2642Ser; replaces arginine 2642 with serine.
Molecular consequence: missense variant. On other transcripts: intron variant (2).
Genome position (GRCh38, 1-based): chr11:108,332,899, A>C. VCF-style: chr11-108332899-A-C. GRCh37 (hg19) VCF-style: chr11-108203626-A-C.
Other names: c.7926A>C, p.Arg2642Ser (NM_001351834.2); c.641-23828T>G (NM_001330368.2); c.*38+2321T>G (NM_001351110.2); short protein forms R2642S.
Identifiers: ClinVar variation 215980 (VCV000215980.22), dbSNP rs863224440, ClinGen allele CA337507.

ClinVar aggregate classification (germline): Conflicting classifications of pathogenicity. Review status: criteria provided, conflicting classifications (1 of 4 stars). 8 submissions from 8 submitters: Pathogenic (5); Likely pathogenic (2); Uncertain significance (1). Last evaluated 2025-10-06.

Conditions:
Hereditary cancer-predisposing syndrome. Also called: Neoplastic Syndromes, Hereditary; Hereditary neoplastic syndrome; Tumor predisposition; Hereditary Cancer Syndrome. Identifiers: Orphanet 140162, MedGen C0027672, MeSH D009386, MONDO:0015356.
Ataxia-telangiectasia syndrome (AT). Also called: Ataxia telangiectasia (A-T); Cerebello-oculocutaneous telangiectasia; Immunodeficiency with ataxia telangiectasia; LOUIS-BAR SYNDROME; AT, COMPLEMENTATION GROUP C; ATAXIA-TELANGIECTASIA, FRESNO VARIANT. Identifiers: Orphanet 100, MedGen C0004135, MONDO:0008840, OMIM 208900.
Familial cancer of breast. Also called: hereditary breast carcinoma; Hereditary breast cancer; BREAST CANCER, FAMILIAL. Identifiers: Orphanet 227535, MedGen C0346153, MONDO:0016419, OMIM 114480. Disease mechanism: loss of function.

Allele frequency attached by ClinVar (database versions not stated): TOPMed 0.00001.

Submissions (8):

Labcorp Genetics (formerly Invitae), Labcorp
Classification: Pathogenic for Ataxia-telangiectasia syndrome. Last evaluated: 2025-10-06. Review status: criteria provided, single submitter. Criteria: Invitae Variant Classification Sherloc (09022015). Collection method: clinical testing. Allele origin: germline.
Comment: This sequence change replaces arginine, which is basic and polar, with serine, which is neutral and polar, at codon 2642 of the ATM protein (p.Arg2642Ser). RNA analysis indicates that this missense change induces altered splicing and may result in an absent or altered protein product. This variant is not present in population databases (gnomAD no frequency). This missense change has been observed in individual(s) with ataxia-telangiectasia and with breast cancer (PMID: 8808599, 26556299; internal data). In at least one individual the data is consistent with being in trans (on the opposite chromosome) from a pathogenic variant. It has also been observed to segregate with disease in related individuals. ClinVar contains an entry for this variant (Variation ID: 215980). An algorithm developed to predict the effect of missense changes on protein structure and function (PolyPhen-2) suggests that this variant is likely to be tolerated. Studies have shown that this missense change results in skipping of exon 53, and produces a non-functional protein and/or introduces a premature termination codon (internal data). For these reasons, this variant has been classified as Pathogenic.

Quest Diagnostics Nichols Institute San Juan Capistrano
Classification: Pathogenic. Last evaluated: 2025-05-14. Review status: criteria provided, single submitter. Criteria: Quest Diagnostics criteria. Collection method: clinical testing. Allele origin: unknown.
Comment: The ATM c.7926A>C (p.Arg2642Ser) variant has been reported in the published literature in at least one individual with breast cancer (PMID: 26556299 (2016)), as well as in compound heterozygosity with other ATM variants in individuals with ataxia-telangiectasia (PMIDs: 7792600 (1995), 8808599 (1996), 21665257 (2011)). Assessment of experimental evidence suggests this variant results in abnormal RNA splicing (PMID: 8808599 (1996)). This variant has not been reported in large, multi-ethnic general populations (Genome Aggregation Database). Analysis of this variant using bioinformatics tools for the prediction of the effect of amino acid changes on protein structure and function yielded predictions that this variant is damaging. Additional analysis using software algorithms for the prediction of the effect of nucleotide changes on splicing yielded predictions that this variant may affect proper ATM mRNA splicing. Based on the available information, this variant is classified as pathogenic.

Ambry Genetics
Classification: Pathogenic for Hereditary cancer-predisposing syndrome. Last evaluated: 2024-11-19. Review status: criteria provided, single submitter. Criteria: Ambry Variant Classification Scheme 2023. Collection method: clinical testing. Allele origin: germline.
Comment: The c.7926A>C pathogenic mutation (also known as p.R2642S), located in coding exon 52 of the ATM gene, results from an A to C substitution at nucleotide position 7926. The arginine at codon 2642 is replaced by serine, an amino acid with dissimilar properties. This nucleotide position is well conserved in available vertebrate species. This amino acid position is well conserved in available vertebrate species. In addition, the in silico prediction for this alteration is inconclusive. This alteration was reported in conjunction with a pathogenic ATM mutation in an individual diagnosed with ataxia-telangiectasia and was demonstrated to result in transcripts with both exon 55 skipping and exon 54 and 55 skipping (Wright J et al. Am. J. Hum. Genet. 1996 Oct;59(4):839-46, Savitsky K et al. Science, 1995 Jun;268:1749-53). In silico splice site analysis for this alteration is inconclusive. RNA studies have demonstrated that this alteration results in abnormal splicing in the set of samples tested (Ambry internal data). This variant is considered to be rare based on population cohorts in the Genome Aggregation Database (gnomAD). Based on the supporting evidence, this alteration is interpreted as a disease-causing mutation.

GeneDx
Classification: Likely pathogenic. Last evaluated: 2024-06-05. Review status: criteria provided, single submitter. Criteria: GeneDx Variant Classification Process June 2021. Collection method: clinical testing. Allele origin: germline. Affected: yes.
Comment: Exonic splice variant demonstrated to result in skipping of exons 52 and/or 53, also known as exons 54 and 55 using alternate exon numbering (PMID: 7792600, 8845835, 8808599); Observed in the heterozygous state in an individual with breast cancer (PMID: 26556299); Not observed at significant frequency in large population cohorts (gnomAD); In silico analysis indicates that this missense variant does not alter protein structure/function; This variant is associated with the following publications: (PMID: 17726045, 27304073, 16166284, 9443866, 7792600, 8808599, 30128536, 9259193, 27535533, 8845835, 26556299)

Myriad Genetics, Inc.
Classification: Pathogenic for Familial cancer of breast. Last evaluated: 2024-02-01. Review status: criteria provided, single submitter. Criteria: Myriad Autosomal Dominant, Autosomal Recessive and X-Linked Classification Criteria (2023). Collection method: clinical testing. Allele origin: unknown.
Comment: This variant is considered pathogenic. mRNA analysis has demonstrated abnormal mRNA splicing occurs [Myriad internal data]. This variant has been reported in multiple individuals with clinical features of gene-specific disease [PMID: 7792600, 8808599, 21665257].

Baylor Genetics
Classification: Likely pathogenic for Familial cancer of breast. Last evaluated: 2023-09-08. Review status: criteria provided, single submitter. Criteria: ACMG Guidelines, 2015. Collection method: clinical testing. Allele origin: unknown.

Division of Medical Genetics, University of Washington
Classification: Uncertain significance for Familial cancer of breast. Last evaluated: 2019-07-17. Review status: criteria provided, single submitter. Criteria: ACMG Guidelines, 2015. Collection method: clinical testing. Allele origin: germline. Affected: no. Study: CSER_CHARM.
Comment: The c.7926A>C variant has been reported in the literature in a cell line from an individual with ataxia-telangiectasia who also had two truncating ATM variants (Wright 1996). Experimental studies (Wright 1996) and in silico prediction tools suggest that this variant may impact splicing. This variant is not present in population databases. In silico analyses indicate this is an evolutionarily conserved residue. Thus, it is unknown at this time whether this variant increases cancer risk.

Revvity Omics, Revvity
Classification: Pathogenic for Ataxia-telangiectasia syndrome. Last evaluated: 2019-01-28. Review status: criteria provided, single submitter. Criteria: ACMG Guidelines, 2015. Collection method: clinical testing. Allele origin: germline.

Literature cited by the submitters: PubMed 8808599 (cited by 3 submitters); PubMed 26556299 (cited by Labcorp Genetics (formerly Invitae), Labcorp and Ambry Genetics); PubMed 30128536 (cited by Ambry Genetics); PubMed 7792600 (cited by Ambry Genetics and Myriad Genetics, Inc.); PubMed 9443866 (cited by Ambry Genetics); PubMed 21665257 (cited by Myriad Genetics, Inc.).